The following is an entry in ClinVar:

ClinVar aggregate classification (germline): Pathogenic (1 of 4 stars; one submission).

Conditions:
Spastic paraplegia. Identifiers: MedGen C0037772, HP:0001258.

Submission:

Labcorp Genetics (formerly Invitae), Labcorp
Classification: Pathogenic for Spastic paraplegia. Last evaluated: 2024-09-17. Review status: criteria provided, single submitter. Criteria: Invitae Variant Classification Sherloc (09022015). Collection method: clinical testing. Allele origin: germline.
Comment: This sequence change creates a premature translational stop signal (p.Pro49Thrfs*26) in the KDM5C gene. It is expected to result in an absent or disrupted protein product. Loss-of-function variants in KDM5C are known to be pathogenic (PMID: 15586325, 18697827). This variant is not present in population databases (gnomAD no frequency). This variant has not been reported in the literature in individuals affected with KDM5C-related conditions. For these reasons, this variant has been classified as Pathogenic.

Literature cited by the submitters: PubMed 15586325; PubMed 18697827.

NM_004187.5(KDM5C):c.144dup (p.Pro49fs)

Gene: KDM5C (lysine demethylase 5C; minus strand). Cytogenetic location: Xp11.22.
Variant type: Duplication.
Coding change: c.144dup on transcript NM_004187.5 (MANE Select); coding-DNA position 144, one base duplicated (A; older notation c.144dupA).
Protein change: p.Pro49fs; shifts the reading frame from proline 49.
Molecular consequence: frameshift variant. On other transcripts: non-coding transcript variant (3).
Genome position (GRCh38, 1-based): chrX:53,224,746, T duplicated on the plus strand (A on the coding strand, the reverse complement: KDM5C is on the minus strand). VCF-style (leftmost placement, unchanged base first): chrX-53224745-G-GT. GRCh37 (hg19) VCF-style: chrX-53253927-G-GT.
Other names: c.144dup, p.Pro49fs (NM_001146702.2, NM_001282622.3, NM_001353978.3 and 4 more transcripts); short protein forms P49fs.
Identifiers: ClinVar variation 3717689 (VCV003717689.2).
Genomic context (GRCh38, chrX:53,224,745, plus strand): 5'-TATCCTACTGCTTCATTCCGTCTCGCCGCCGGCGAAAACCGGCCCCGGGGCTTACCGCGG[G>GT]TGGGCGGATCTTGCAAATGCCCGATTTCTCTGCGATGGGCCTGATTTTCGCGATGTAGCC-3'